The following is an entry in ClinVar:

ClinVar aggregate classification (germline): Conflicting classifications of pathogenicity. Review status: criteria provided, conflicting classifications (1 of 4 stars). 3 submissions from 3 submitters: Uncertain significance (1); Likely benign (2). Last evaluated 2025-06-18.

Conditions:
Inborn genetic diseases. Identifiers: MedGen C0950123, MeSH D030342.

Allele frequency attached by ClinVar (database versions not stated): ExAC 0.00003; gnomAD 0.00004 and 0.00006; gnomAD exomes 0.00004 and 0.00016; TOPMed 0.00005; ESP Exome Variant Server 0.00016.
gnomAD v4.1: 233 of 1,613,904 alleles (0.014%); highest among the groups gnomAD compares: Non-Finnish European, 0.019%; 1 homozygote.

Submissions (3):

Ambry Genetics
Classification: Likely benign for Inborn genetic diseases. Last evaluated: 2025-06-18. Review status: criteria provided, single submitter. Criteria: Ambry Variant Classification Scheme 2023. Collection method: clinical testing. Allele origin: germline.

CeGaT Center for Human Genetics Tuebingen
Classification: Likely benign. Last evaluated: 2023-12-01. Review status: criteria provided, single submitter. Criteria: CeGaT Center For Human Genetics Tuebingen Variant Classification Criteria Version 2. Collection method: clinical testing. Allele origin: germline. Affected: yes. Observed: 1 variant allele.
Comment: PCLO: BP4

Labcorp Genetics (formerly Invitae), Labcorp
Classification: Uncertain significance. Last evaluated: 2022-05-19. Review status: criteria provided, single submitter. Criteria: Invitae Variant Classification Sherloc (09022015). Collection method: clinical testing. Allele origin: germline.
Comment: This sequence change replaces threonine, which is neutral and polar, with serine, which is neutral and polar, at codon 310 of the PCLO protein (p.Thr310Ser). This variant is present in population databases (rs377435737, gnomAD 0.006%). This variant has not been reported in the literature in individuals affected with PCLO-related conditions. Algorithms developed to predict the effect of missense changes on protein structure and function output the following: SIFT: "Tolerated"; PolyPhen-2: "Not Available"; Align-GVGD: "Class C0". The serine amino acid residue is found in multiple mammalian species, which suggests that this missense change does not adversely affect protein function. In summary, the available evidence is currently insufficient to determine the role of this variant in disease. Therefore, it has been classified as a Variant of Uncertain Significance.

NM_033026.6(PCLO):c.929C>G (p.Thr310Ser)

Gene: PCLO (piccolo presynaptic cytomatrix protein; minus strand). Cytogenetic location: 7q21.11.
Variant type: single nucleotide variant.
Coding change: c.929C>G on transcript NM_033026.6 (MANE Select); coding-DNA position 929, C replaced by G.
Protein change: p.Thr310Ser; replaces threonine 310 with serine.
Molecular consequence: missense variant.
Genome position (GRCh38, 1-based): chr7:83,155,712, G>C on the plus strand (C>G on the coding strand, the complement: PCLO is on the minus strand). VCF-style: chr7-83155712-G-C. GRCh37 (hg19) VCF-style: chr7-82785028-G-C.
Other names: c.929C>G (NM_033026.5); c.929C>G, p.Thr310Ser (NM_014510.3); short protein forms T310S.
Identifiers: ClinVar variation 1394621 (VCV001394621.28), dbSNP rs377435737, ClinGen allele CA4321573.
Genomic context (GRCh38, chr7:83,155,712, plus strand): 5'-TTTGCAGGCCCAGGCTGTGATTTTTCATGTCCAGGCTGCTGTGCTGGAGGTTTTCCAGGA[G>C]TTGGTTGCTGAATAGGTGGTTTGGATGGGCTTGGCAGTGAGGGTTTAACTGATTCTCCCC-3'
Protein context (NP_149015.2, residues 300-320): SPSKPPIQQP[Thr310Ser]PGKPPAQQPG